The following is an entry in ClinVar:

ClinVar aggregate classification (germline): Uncertain significance (1 of 4 stars; one submission).

gnomAD v4.1: 42 of 1,603,244 alleles (0.0026%); highest among the groups gnomAD compares: Admixed American, 0.033%; no homozygotes.

Submission:

CeGaT Center for Human Genetics Tuebingen
Classification: Uncertain significance. Last evaluated: 2026-04-01. Review status: criteria provided, single submitter. Criteria: CeGaT Center For Human Genetics Tuebingen Variant Classification Criteria Version 2. Collection method: clinical testing. Allele origin: germline. Affected: yes. Observed: 1 variant allele.
Comment: AP1B1: PM2, BP4

NM_001127.4(AP1B1):c.2292C>T (p.Ile764=)

Gene: AP1B1 (adaptor related protein complex 1 subunit beta 1; minus strand). Cytogenetic location: 22q12.2.
Variant type: single nucleotide variant.
Coding change: c.2292C>T on transcript NM_001127.4 (MANE Select); coding-DNA position 2292, C replaced by T.
Protein change: p.Ile764=; no amino-acid change (isoleucine 764 retained).
Molecular consequence: synonymous variant.
Genome position (GRCh38, 1-based): chr22:29,334,282, G>A on the plus strand (C>T on the coding strand, the complement: AP1B1 is on the minus strand). VCF-style: chr22-29334282-G-A. GRCh37 (hg19) VCF-style: chr22-29730271-G-A.
Other names: c.2211C>T, p.Ile737= (NM_001166019.2); c.2292C>T, p.Ile764= (NM_001378562.1); c.2271C>T, p.Ile757= (NM_001378563.1, NM_145730.3); c.2121C>T, p.Ile707= (NM_001378564.1); c.2100C>T, p.Ile700= (NM_001378565.1); c.2085C>T, p.Ile695= (NM_001378566.1).
Identifiers: ClinVar variation 4872964 (VCV004872964.2).